The following is an entry in ClinVar:

ClinVar aggregate classification (germline): Likely pathogenic (1 of 4 stars; one submission).

Conditions:
Retinitis pigmentosa (RP). Identifiers: Orphanet 791, MedGen C0035334, MeSH D012174, MONDO:0019200, OMIM 268000. Inheritance: Autosomal dominant, autosomal recessive and X linked inheritance.

Submission:

Research Institute for Ophthalmology and Vision Science, Shahid Beheshti University of Medical Sciences
Classification: Likely pathogenic for Retinitis pigmentosa. Last evaluated: 2025-12-17. Review status: criteria provided, single submitter. Criteria: ACMG Guidelines, 2015. Collection method: research. Allele origin: inherited. Inheritance: Autosomal recessive inheritance. Affected: yes.
Comment: WDR19:c.1669A>C is absent in gnomAD databases. It has been found in a homozygous state in patients and co-segregates with the disease in multiple affected family members (PP1-strong).

NM_025132.4(WDR19):c.1669A>C (p.Thr557Pro)

Gene: WDR19 (WD repeat domain 19; plus strand). Cytogenetic location: 4p14.
Variant type: single nucleotide variant.
Coding change: c.1669A>C on transcript NM_025132.4 (MANE Select); coding-DNA position 1669, A replaced by C.
Protein change: p.Thr557Pro; replaces threonine 557 with proline.
Molecular consequence: missense variant.
Genome position (GRCh38, 1-based): chr4:39,228,249, A>C. VCF-style: chr4-39228249-A-C. GRCh37 (hg19) VCF-style: chr4-39229869-A-C.
Other names: c.1189A>C, p.Thr397Pro (NM_001317924.2); short protein forms T397P, T557P.
Identifiers: ClinVar variation 4538471 (VCV004538471.1).
Genomic context (GRCh38, chr4:39,228,249, plus strand): 5'-TCTGTAAATTTTATTTTGTAGGTCAATGACGCTACCTATGAGATTCCAGATTTTTCACCA[A>C]CCATTAAAGGTGTTCTTTGGGAAAACTGGCCAATGGATAAAGGTGTATTTATTGCTTATG-3'
Protein context (NP_079408.3, residues 547-567): ATYEIPDFSP[Thr557Pro]IKGVLWENWP